The following is an entry in ClinVar:

NM_001018111.3(PODXL):c.1071C>A (p.Leu357=)

Gene: PODXL (podocalyxin like; minus strand). Cytogenetic location: 7q32.3.
Variant type: single nucleotide variant.
Coding change: c.1071C>A on transcript NM_001018111.3 (MANE Select); coding-DNA position 1071, C replaced by A.
Protein change: p.Leu357=; no amino-acid change (leucine 357 retained).
Molecular consequence: synonymous variant.
Genome position (GRCh38, 1-based): chr7:131,508,981, G>T on the plus strand (C>A on the coding strand, the complement: PODXL is on the minus strand). VCF-style: chr7-131508981-G-T. GRCh37 (hg19) VCF-style: chr7-131193740-G-T.
Other names: c.975C>A, p.Leu325= (NM_005397.4).
Identifiers: ClinVar variation 1932025 (VCV001932025.5), dbSNP rs138160964, ClinGen allele CA457675452.

ClinVar aggregate classification (germline): Uncertain significance (1 of 4 stars; one submission).

gnomAD v4.1: 6 of 1,613,796 alleles (0.00037%); highest among the groups gnomAD compares: Admixed American, 0.005%; no homozygotes.

Submission:

Labcorp Genetics (formerly Invitae), Labcorp
Classification: Uncertain significance. Last evaluated: 2022-08-05. Review status: criteria provided, single submitter. Criteria: Invitae Variant Classification Sherloc (09022015). Collection method: clinical testing. Allele origin: germline.
Comment: This sequence change affects codon 325 of the PODXL mRNA. It is a 'silent' change, meaning that it does not change the encoded amino acid sequence of the PODXL protein. This variant is present in population databases (no rsID available, gnomAD 0.002%). This variant has not been reported in the literature in individuals affected with PODXL-related conditions. Algorithms developed to predict the effect of sequence changes on RNA splicing suggest that this variant may disrupt the consensus splice site. In summary, the available evidence is currently insufficient to determine the role of this variant in disease. Therefore, it has been classified as a Variant of Uncertain Significance.